The following is an entry in ClinVar:

NM_005055.5(RAPSN):c.1185del (p.Thr396fs)

Gene: RAPSN (receptor associated protein of the synapse; minus strand). Cytogenetic location: 11p11.2.
Variant type: Deletion.
Coding change: c.1185del on transcript NM_005055.5 (MANE Select); coding-DNA position 1185, one base deleted (G; older notation c.1185delG).
Protein change: p.Thr396fs; shifts the reading frame from threonine 396.
Molecular consequence: frameshift variant.
Genome position (GRCh38, 1-based): chr11:47,438,029, C deleted on the plus strand (G on the coding strand, the reverse complement: RAPSN is on the minus strand); the first of 3 consecutive C bases (chr11:47,438,029-47,438,031); deleting any one gives the same sequence. VCF-style (leftmost placement, unchanged base first): chr11-47438028-TC-T. GRCh37 (hg19) VCF-style: chr11-47459579-TC-T.
Other names: c.1008del, p.Thr337fs (NM_032645.5); c.1185del (NM_005055.4); short protein forms T396fs, T337fs.
Identifiers: ClinVar variation 1458342 (VCV001458342.7), dbSNP rs2153306243, ClinGen allele CA2573147238.

ClinVar aggregate classification (germline): Pathogenic. Review status: criteria provided, multiple submitters, no conflicts (2 of 4 stars). 2 submissions from 2 submitters: Pathogenic (2). Last evaluated 2021-11-19.

Conditions:
Congenital myasthenic syndrome 11. Also called: Myasthenic syndrome, congenital, 11, associated with acetylcholine receptor deficiency; MYASTHENIC SYNDROME, CONGENITAL, Ie. Identifiers: Orphanet 590, MedGen C4225367, MONDO:0014588, OMIM 616326.
Fetal akinesia deformation sequence 1 (FADS1). Also called: Pena-Shokeir syndrome type I; Fetal akinesia sequence. Identifiers: Orphanet 994, MedGen C1276035, MONDO:0100101, OMIM 208150, HP:0001989.

Submissions (2):

Labcorp Genetics (formerly Invitae), Labcorp
Classification: Pathogenic for Congenital myasthenic syndrome 11; Fetal akinesia deformation sequence 1. Last evaluated: 2021-11-19. Review status: criteria provided, single submitter. Criteria: Invitae Variant Classification Sherloc (09022015). Collection method: clinical testing. Allele origin: germline.
Comment: This premature translational stop signal has been observed in individuals with congenital myasthenic syndrome (PMID: 26782015, 29054425). It has also been observed to segregate with disease in related individuals. For these reasons, this variant has been classified as Pathogenic. This variant is not present in population databases (gnomAD no frequency). This sequence change creates a premature translational stop signal (p.Thr396Profs*12) in the RAPSN gene. While this is not anticipated to result in nonsense mediated decay, it is expected to disrupt the last 17 amino acid(s) of the RAPSN protein.

Clinical Genetics Service, Universitary Hospital 12 de Octubre
Classification: Pathogenic for Congenital myasthenic syndrome 11. Review status: criteria provided, single submitter. Criteria: ACMG Guidelines, 2015. Collection method: clinical testing. Allele origin: maternal. Affected: yes.

Literature cited by the submitters: PubMed 26782015 (cited by Labcorp Genetics (formerly Invitae), Labcorp); PubMed 29054425 (cited by Labcorp Genetics (formerly Invitae), Labcorp).